The following is an entry in ClinVar:

ClinVar aggregate classification (germline): Uncertain significance (1 of 4 stars; one submission).

Conditions:
Hereditary cancer-predisposing syndrome. Also called: Hereditary Cancer Syndrome; Hereditary neoplastic syndrome; Neoplastic Syndromes, Hereditary; Tumor predisposition. Identifiers: Orphanet 140162, MedGen C0027672, MeSH D009386, MONDO:0015356.

Submission:

Ambry Genetics
Classification: Uncertain significance for Hereditary cancer-predisposing syndrome. Last evaluated: 2022-08-09. Review status: criteria provided, single submitter. Criteria: Ambry Variant Classification Scheme 2023. Collection method: clinical testing. Allele origin: germline.
Comment: The p.D144H variant (also known as c.430G>C), located in coding exon 3 of the NTHL1 gene, results from a G to C substitution at nucleotide position 430. The aspartic acid at codon 144 is replaced by histidine, an amino acid with similar properties. This amino acid position is conserved. In addition, this alteration is predicted to be deleterious by in silico analysis. Since supporting evidence is limited at this time, the clinical significance of this alteration remains unclear.

NM_002528.7(NTHL1):c.406G>C (p.Asp136His)

Gene: NTHL1 (nth like DNA glycosylase 1; minus strand). Cytogenetic location: 16p13.3.
Variant type: single nucleotide variant.
Coding change: c.406G>C on transcript NM_002528.7 (MANE Select); coding-DNA position 406, G replaced by C.
Protein change: p.Asp136His; replaces aspartic acid 136 with histidine.
Molecular consequence: missense variant. On other transcripts: intron variant (1).
Genome position (GRCh38, 1-based): chr16:2,044,749, C>G on the plus strand (G>C on the coding strand, the complement: NTHL1 is on the minus strand). VCF-style: chr16-2044749-C-G. GRCh37 (hg19) VCF-style: chr16-2094750-C-G.
Other names: c.76G>C, p.Asp26His (NM_001318194.2); c.355-1023G>C (NM_001318193.2); short protein forms D136H, D26H.
Identifiers: ClinVar variation 1739626 (VCV001739626.2), dbSNP rs2150942441, ClinGen allele CA394294522.